The following is an entry in ClinVar:

NM_014140.4(SMARCAL1):c.1469G>A (p.Arg490His)

Gene: SMARCAL1 (SNF2 related chromatin remodeling annealing helicase 1; plus strand). Cytogenetic location: 2q35.
Variant type: single nucleotide variant.
Coding change: c.1469G>A on transcript NM_014140.4 (MANE Select); coding-DNA position 1469, G replaced by A.
Protein change: p.Arg490His; replaces arginine 490 with histidine.
Molecular consequence: missense variant.
Genome position (GRCh38, 1-based): chr2:216,432,852, G>A. VCF-style: chr2-216432852-G-A. GRCh37 (hg19) VCF-style: chr2-217297575-G-A.
Other names: p.Arg490His; c.1469G>A, p.Arg490His (NM_001127207.2); short protein forms R490H.
Identifiers: ClinVar variation 839865 (VCV000839865.15), dbSNP rs529024384, ClinGen allele CA2097891.

ClinVar aggregate classification (germline): Uncertain significance. Review status: criteria provided, multiple submitters, no conflicts (2 of 4 stars). 8 submissions from 8 submitters: Uncertain significance (7). 1 of the submissions does not count toward it. Last evaluated 2025-12-18.

Conditions:
Schimke immuno-osseous dysplasia (SIOD). Also called: Schimke Immunoosseous Dysplasia. Identifiers: Orphanet 1830, MedGen C0877024, MONDO:0009458, OMIM 242900.

Allele frequency attached by ClinVar (database versions not stated): gnomAD exomes 0.00004 and 0.00005; gnomAD 0.00005 and 0.00006; TOPMed 0.00006; ExAC 0.00003.
gnomAD v4.1: 78 of 1,614,084 alleles (0.0048%); highest among the groups gnomAD compares: African/African-American, 0.004%; no homozygotes.

Submissions (8):

Mayo Clinic Laboratories, Mayo Clinic
Classification: Uncertain significance. Last evaluated: 2025-12-18. Review status: criteria provided, single submitter. Criteria: ACMG Guidelines, 2015. Collection method: clinical testing. Allele origin: germline. Observed: 1 variant allele.
Comment: PP3_moderate, PM2_supporting

Genomic Medicine Center of Excellence, King Faisal Specialist Hospital and Research Centre
Classification: Uncertain significance for Schimke immuno-osseous dysplasia. Last evaluated: 2024-12-18. Review status: criteria provided, single submitter. Criteria: ACMG Guidelines, 2015. Collection method: clinical testing. Allele origin: germline.

Fulgent Genetics
Classification: Uncertain significance for Schimke immuno-osseous dysplasia. Last evaluated: 2024-06-11. Review status: criteria provided, single submitter. Criteria: ACMG Guidelines, 2015. Collection method: clinical testing. Allele origin: germline.

ARUP Laboratories, Molecular Genetics and Genomics, ARUP Laboratories
Classification: Uncertain significance for Schimke immuno-osseous dysplasia. Last evaluated: 2023-09-08. Review status: criteria provided, single submitter. Criteria: ARUP Molecular Germline Variant Investigation Process 2024. Collection method: clinical testing. Allele origin: germline.
Comment: The SMARCAL1 c.1469G>A; p.Arg490His variant (rs529024384), to our knowledge, is not reported in the medical literature but is reported in ClinVar (Variation ID: 839865). This variant is observed in the general population with an overall allele frequency of 0.006% (16/282730 alleles) in the Genome Aggregation Database. Computational analyses predict that this variant is deleterious (REVEL: 0.913). Due to limited information, the clinical significance of this variant is uncertain at this time.

Labcorp Genetics (formerly Invitae), Labcorp
Classification: Uncertain significance for Schimke immuno-osseous dysplasia. Last evaluated: 2022-04-28. Review status: criteria provided, single submitter. Criteria: Invitae Variant Classification Sherloc (09022015). Collection method: clinical testing. Allele origin: germline.
Comment: This sequence change replaces arginine, which is basic and polar, with histidine, which is basic and polar, at codon 490 of the SMARCAL1 protein (p.Arg490His). This variant is present in population databases (rs529024384, gnomAD 0.06%). This variant has not been reported in the literature in individuals affected with SMARCAL1-related conditions. ClinVar contains an entry for this variant (Variation ID: 839865). Algorithms developed to predict the effect of missense changes on protein structure and function are either unavailable or do not agree on the potential impact of this missense change (SIFT: "Deleterious"; PolyPhen-2: "Probably Damaging"; Align-GVGD: "Class C0"). In summary, the available evidence is currently insufficient to determine the role of this variant in disease. Therefore, it has been classified as a Variant of Uncertain Significance.

Blueprint Genetics
Classification: Uncertain significance. Last evaluated: 2021-11-22. Review status: criteria provided, single submitter. Criteria: ACMG Guidelines, 2015. Collection method: clinical testing. Allele origin: germline.

Illumina Laboratory Services, Illumina
Classification: Uncertain significance for Schimke immuno-osseous dysplasia. Last evaluated: 2018-01-12. Review status: criteria provided, single submitter. Criteria: ICSL Variant Classification Criteria 13 December 2019. Collection method: clinical testing. Allele origin: germline.

Natera, Inc.
Classification: Uncertain significance for Schimke immuno-osseous dysplasia. Last evaluated: 2020-02-14. Review status: no assertion criteria provided. Collection method: clinical testing. Allele origin: germline. Not counted in ClinVar's aggregate classification.